The following is an entry in ClinVar:

NM_001235.5(SERPINH1):c.573C>A (p.Asp191Glu)

Gene: SERPINH1 (serpin family H member 1; plus strand). Cytogenetic location: 11q13.5.
Variant type: single nucleotide variant.
Coding change: c.573C>A on transcript NM_001235.5 (MANE Select); coding-DNA position 573, C replaced by A.
Protein change: p.Asp191Glu; replaces aspartic acid 191 with glutamic acid.
Molecular consequence: missense variant.
Genome position (GRCh38, 1-based): chr11:75,566,922, C>A. VCF-style: chr11-75566922-C-A. GRCh37 (hg19) VCF-style: chr11-75277967-C-A.
Other names: c.573C>A, p.Asp191Glu (NM_001207014.3); short protein forms D191E.
Identifiers: ClinVar variation 306104 (VCV000306104.9), dbSNP rs745340617, ClinGen allele CA6190841.

ClinVar aggregate classification (germline): Uncertain significance. Review status: criteria provided, multiple submitters, no conflicts (2 of 4 stars). 3 submissions from 3 submitters: Uncertain significance (3). Last evaluated 2023-07-25.

Conditions:
Inborn genetic diseases. Identifiers: MedGen C0950123, MeSH D030342.
Osteogenesis imperfecta type 10 (OI10). Also called: OI, TYPE X. Identifiers: Orphanet 666, MedGen C3151211, MONDO:0013459, OMIM 613848.

Allele frequency attached by ClinVar (database versions not stated): TOPMed 0.00002; gnomAD 0.00003; gnomAD exomes 0.00006; ExAC 0.00009.
gnomAD v4.1: 64 of 1,606,376 alleles (0.004%); highest among the groups gnomAD compares: South Asian, 0.018%; no homozygotes.

Submissions (3):

Ambry Genetics
Classification: Uncertain significance for Inborn genetic diseases. Last evaluated: 2023-07-25. Review status: criteria provided, single submitter. Criteria: Ambry Variant Classification Scheme 2023. Collection method: clinical testing. Allele origin: germline.

Labcorp Genetics (formerly Invitae), Labcorp
Classification: Uncertain significance. Last evaluated: 2022-07-29. Review status: criteria provided, single submitter. Criteria: Invitae Variant Classification Sherloc (09022015). Collection method: clinical testing. Allele origin: germline.
Comment: This variant has not been reported in the literature in individuals affected with SERPINH1-related conditions. In summary, the available evidence is currently insufficient to determine the role of this variant in disease. Therefore, it has been classified as a Variant of Uncertain Significance. Advanced modeling of protein sequence and biophysical properties (such as structural, functional, and spatial information, amino acid conservation, physicochemical variation, residue mobility, and thermodynamic stability) performed at Invitae indicates that this missense variant is not expected to disrupt SERPINH1 protein function. ClinVar contains an entry for this variant (Variation ID: 306104). This variant is present in population databases (rs745340617, gnomAD 0.03%). This sequence change replaces aspartic acid, which is acidic and polar, with glutamic acid, which is acidic and polar, at codon 191 of the SERPINH1 protein (p.Asp191Glu).

Illumina Laboratory Services, Illumina
Classification: Uncertain significance for Osteogenesis imperfecta type 10. Last evaluated: 2018-01-13. Review status: criteria provided, single submitter. Criteria: ICSL Variant Classification Criteria 13 December 2019. Collection method: clinical testing. Allele origin: germline.